The following is an entry in ClinVar:

NM_000359.3(TGM1):c.649A>G (p.Ile217Val)

Gene: TGM1 (transglutaminase 1; minus strand). Cytogenetic location: 14q12.
Variant type: single nucleotide variant.
Coding change: c.649A>G on transcript NM_000359.3 (MANE Select); coding-DNA position 649, A replaced by G.
Protein change: p.Ile217Val; replaces isoleucine 217 with valine.
Molecular consequence: missense variant.
Genome position (GRCh38, 1-based): chr14:24,260,558, T>C on the plus strand (A>G on the coding strand, the complement: TGM1 is on the minus strand). VCF-style: chr14-24260558-T-C. GRCh37 (hg19) VCF-style: chr14-24729764-T-C.
Other names: short protein forms I217V.
Identifiers: ClinVar variation 4977226 (VCV004977226.1).
Genomic context (GRCh38, chr14:24,260,558, plus strand): 5'-AGGGCAACTGGAACTCCCCAGCGTCTGATTGTGTGCGGACTGTGAACTGAAACTTGCCGA[T>C]GATGGCGTTGGGGGAAGTGTGGACCCGCAGGTTCAGATTCTGCCCACTGGCCTTGACCAC-3'
Protein context (NP_000350.1, residues 207-227): LRVHTSPNAI[Ile217Val]GKFQFTVRTQ

ClinVar aggregate classification (germline): Uncertain significance (1 of 4 stars; one submission).

Conditions:
TGM1-related disorder. Also called: TGM1-related condition.

gnomAD v4.1: 1 of 1,614,102 alleles (0.000062%); highest among the groups gnomAD compares: Admixed American, 0.0017%; no homozygotes.

Submission:

PreventionGenetics, part of Exact Sciences
Classification: Uncertain significance for TGM1-related condition. Last evaluated: 2024-12-31. Review status: criteria provided, single submitter. Criteria: ACMG Guidelines, 2015. Collection method: clinical testing. Allele origin: germline.
Comment: The TGM1 c.649A>G variant is predicted to result in the amino acid substitution p.Ile217Val. To our knowledge, this variant has not been reported in the literature or in a large population database (gnomAD), indicating this variant is rare. At this time, the clinical significance of this variant is uncertain due to the absence of conclusive functional and genetic evidence.